The following is an entry in ClinVar:

ClinVar aggregate classification (germline): Uncertain significance (1 of 4 stars; one submission).

Conditions:
Hypertrophic cardiomyopathy 14. Identifiers: MedGen C2750467, MONDO:0013197, OMIM 613251.

Submission:

Labcorp Genetics (formerly Invitae), Labcorp
Classification: Uncertain significance for Hypertrophic cardiomyopathy 14. Last evaluated: 2023-11-15. Review status: criteria provided, single submitter. Criteria: Invitae Variant Classification Sherloc (09022015). Collection method: clinical testing. Allele origin: germline.
Comment: This sequence change replaces asparagine, which is neutral and polar, with tyrosine, which is neutral and polar, at codon 1892 of the MYH6 protein (p.Asn1892Tyr). This variant is not present in population databases (gnomAD no frequency). This variant has not been reported in the literature in individuals affected with MYH6-related conditions. Advanced modeling of protein sequence and biophysical properties (such as structural, functional, and spatial information, amino acid conservation, physicochemical variation, residue mobility, and thermodynamic stability) performed at Invitae indicates that this missense variant is expected to disrupt MYH6 protein function with a positive predictive value of 80%. In summary, the available evidence is currently insufficient to determine the role of this variant in disease. Therefore, it has been classified as a Variant of Uncertain Significance.

NM_002471.4(MYH6):c.5674A>T (p.Asn1892Tyr)

Gene: MYH6 (myosin heavy chain 6; minus strand). Cytogenetic location: 14q11.2.
Variant type: single nucleotide variant.
Coding change: c.5674A>T on transcript NM_002471.4 (MANE Select); coding-DNA position 5674, A replaced by T.
Protein change: p.Asn1892Tyr; replaces asparagine 1892 with tyrosine.
Molecular consequence: missense variant.
Genome position (GRCh38, 1-based): chr14:23,382,550, T>A on the plus strand (A>T on the coding strand, the complement: MYH6 is on the minus strand). VCF-style: chr14-23382550-T-A. GRCh37 (hg19) VCF-style: chr14-23851759-T-A.
Other names: short protein forms N1892Y.
Identifiers: ClinVar variation 2816579 (VCV002816579.3), dbSNP rs1258355019, ClinGen allele CA388981954.